The following is an entry in ClinVar:

NM_001270.4(CHD1):c.860-5T>C

Gene: CHD1 (chromodomain helicase DNA binding protein 1; minus strand). Cytogenetic location: 5q15.
Variant type: single nucleotide variant.
Coding change: c.860-5T>C on transcript NM_001270.4 (MANE Select); 5 bases into the intron before coding-DNA position 860, T replaced by C.
Molecular consequence: intron variant.
Genome position (GRCh38, 1-based): chr5:98,899,710, A>G on the plus strand (T>C on the coding strand, the complement: CHD1 is on the minus strand). VCF-style: chr5-98899710-A-G. GRCh37 (hg19) VCF-style: chr5-98235414-A-G.
Other names: c.860-5T>C (NM_001376194.2, NM_001364113.3).
Identifiers: ClinVar variation 3375398 (VCV003375398.1).

ClinVar aggregate classification (germline): Uncertain significance (1 of 4 stars; one submission).

Submission:

Women's Health and Genetics/Laboratory Corporation of America, LabCorp
Classification: Uncertain significance. Last evaluated: 2024-09-18. Review status: criteria provided, single submitter. Criteria: LabCorp Variant Classification Summary - May 2015. Collection method: clinical testing. Allele origin: germline.
Comment: Variant summary: CHD1 c.860-5T>C alters a non-conserved nucleotide located close to a canonical splice site and therefore could affect mRNA splicing, leading to a significantly altered protein sequence. Consensus agreement among computation tools predict no significant impact on normal splicing. However, these predictions have yet to be confirmed by functional studies. The variant was absent in 247346 control chromosomes. The available data on variant occurrences in the general population are insufficient to allow any conclusion about variant significance. To our knowledge, no occurrence of c.860-5T>C in individuals affected with Pilarowski-Bjornsson Syndrome and no experimental evidence demonstrating its impact on protein function have been reported. No submitters have cited clinical-significance assessments for this variant to ClinVar. Based on the evidence outlined above, the variant was classified as uncertain significance.